The following is an entry in ClinVar:

ClinVar aggregate classification (germline): Uncertain significance. Review status: criteria provided, multiple submitters, no conflicts (2 of 4 stars). 3 submissions from 3 submitters: Uncertain significance (2). 1 of the submissions does not count toward it. Last evaluated 2025-05-12.

Conditions:
Cystic fibrosis (CF). Also called: MUCOVISCIDOSIS. Identifiers: Orphanet 586, MedGen C0010674, MONDO:0009061, OMIM 219700. Disease mechanism: loss of function.

Allele frequency attached by ClinVar (database versions not stated): gnomAD exomes below 0.00001; ExAC 0.00001.
gnomAD v4.1: 1 of 1,605,496 alleles (0.000062%); highest among the groups gnomAD compares: Non-Finnish European, 0.000085%; no homozygotes.

Submissions (3):

Labcorp Genetics (formerly Invitae), Labcorp
Classification: Uncertain significance for Cystic fibrosis. Last evaluated: 2025-05-12. Review status: criteria provided, single submitter. Criteria: Invitae Variant Classification Sherloc (09022015). Collection method: clinical testing. Allele origin: germline.
Comment: This sequence change replaces glutamine, which is neutral and polar, with lysine, which is basic and polar, at codon 1313 of the CFTR protein (p.Gln1313Lys). This variant is present in population databases (rs121909026, gnomAD 0.0009%). This variant has not been reported in the literature in individuals affected with CFTR-related conditions. ClinVar contains an entry for this variant (Variation ID: 53858). Invitae Evidence Modeling of protein sequence and biophysical properties (such as structural, functional, and spatial information, amino acid conservation, physicochemical variation, residue mobility, and thermodynamic stability) indicates that this missense variant is not expected to disrupt CFTR protein function with a negative predictive value of 80%. In summary, the available evidence is currently insufficient to determine the role of this variant in disease. Therefore, it has been classified as a Variant of Uncertain Significance.

Women's Health and Genetics/Laboratory Corporation of America, LabCorp
Classification: Uncertain significance. Last evaluated: 2023-11-22. Review status: criteria provided, single submitter. Criteria: LabCorp Variant Classification Summary - May 2015. Collection method: clinical testing. Allele origin: germline.
Comment: Variant summary: CFTR c.3937C>A (p.Gln1313Lys) results in a conservative amino acid change located in the ABC transporter-like, ATP-binding domain of the encoded protein sequence. Four of five in-silico tools predict a benign effect of the variant on protein function. The variant allele was found at a frequency of 4e-06 in 250482 control chromosomes. The available data on variant occurrences in the general population are insufficient to allow any conclusion about variant significance. c.3937C>A has been reported in the literature in individuals affected with Cystic Fibrosis, however full genotypes were not provided other than the authors saying the variant was "identified in one or more F508del homozygotes" (Raraigh_2022). These report(s) do not provide unequivocal conclusions about association of the variant with Cystic Fibrosis. To our knowledge, no experimental evidence demonstrating an impact on protein function has been reported. The following publication have been ascertained in the context of this evaluation (PMID: 34782259). One submitter has cited clinical-significance assessments for this variant to ClinVar after 2014 and has classified the variant as uncertain significance. Based on the evidence outlined above, the variant was classified as uncertain significance.

Counsyl
Classification: Uncertain significance for Cystic fibrosis. Last evaluated: 2018-01-18. Review status: no assertion criteria provided. Collection method: clinical testing. Allele origin: unknown. Not counted in ClinVar's aggregate classification.

Literature cited by the submitters: PubMed 34782259 (cited by Women's Health and Genetics/Laboratory Corporation of America, LabCorp).

NM_000492.4(CFTR):c.3937C>A (p.Gln1313Lys)

Gene: CFTR (CF transmembrane conductance regulator; plus strand). Cytogenetic location: 7q31.2.
Variant type: single nucleotide variant.
Coding change: c.3937C>A on transcript NM_000492.4 (MANE Select); coding-DNA position 3937, C replaced by A.
Protein change: p.Gln1313Lys; replaces glutamine 1313 with lysine.
Molecular consequence: missense variant.
Genome position (GRCh38, 1-based): chr7:117,652,905, C>A. VCF-style: chr7-117652905-C-A. GRCh37 (hg19) VCF-style: chr7-117292959-C-A.
Other names: short protein forms Q1313K.
Identifiers: ClinVar variation 53858 (VCV000053858.5), dbSNP rs121909026, ClinGen allele CA327357.